The following is an entry in ClinVar:

NM_014363.6(SACS):c.593A>G (p.Tyr198Cys)

Gene: SACS (sacsin molecular chaperone; minus strand). Cytogenetic location: 13q12.12.
Variant type: single nucleotide variant.
Coding change: c.593A>G on transcript NM_014363.6 (MANE Select); coding-DNA position 593, A replaced by G.
Protein change: p.Tyr198Cys; replaces tyrosine 198 with cysteine.
Molecular consequence: missense variant.
Genome position (GRCh38, 1-based): chr13:23,358,346, T>C on the plus strand (A>G on the coding strand, the complement: SACS is on the minus strand). VCF-style: chr13-23358346-T-C. GRCh37 (hg19) VCF-style: chr13-23932485-T-C.
Other names: c.152A>G, p.Tyr51Cys (NM_001278055.2); short protein forms Y198C, Y51C.
Identifiers: ClinVar variation 448209 (VCV000448209.8), dbSNP rs1461096954, ClinGen allele CA387551889.
Genomic context (GRCh38, chr13:23,358,346, plus strand): 5'-TAAGATATAATATTTTCTAATACCAAGACCGAAAAGCCTAATACTCTACCTGTTATATGA[T>C]AGACAGAATTAAACCCAATTCCAAATCTTCCGACCTTCAGAGGATCATCCTTTTTCCTGC-3'
Protein context (NP_055178.3, residues 188-208): GRFGIGFNSV[Tyr198Cys]HITDVPCIFS

ClinVar aggregate classification (germline): Uncertain significance. Review status: criteria provided, multiple submitters, no conflicts (2 of 4 stars). 4 submissions from 4 submitters: Uncertain significance (3). 1 of the submissions does not count toward it. Last evaluated 2024-05-28.

Conditions:
Spastic paraplegia. Identifiers: MedGen C0037772, HP:0001258.
Inborn genetic diseases. Identifiers: MedGen C0950123, MeSH D030342.
Charlevoix-Saguenay spastic ataxia (SACS). Also called: AUTOSOMAL RECESSIVE SPASTIC ATAXIA OF CHARLEVOIX-SAGUENAY; SPASTIC ATAXIA 6, AUTOSOMAL RECESSIVE; Spastic ataxia of Charlevoix-Saguenay. Identifiers: Orphanet 98, MedGen C1849140, MONDO:0010041, OMIM 270550.

Allele frequency attached by ClinVar (database versions not stated): gnomAD 0.00001; gnomAD exomes below 0.00001; TOPMed 0.00001.

Submissions (4):

Ambry Genetics
Classification: Uncertain significance for Inborn genetic diseases. Last evaluated: 2024-05-28. Review status: criteria provided, single submitter. Criteria: Ambry Variant Classification Scheme 2023. Collection method: clinical testing. Allele origin: germline.

Labcorp Genetics (formerly Invitae), Labcorp
Classification: Uncertain significance for Spastic paraplegia. Last evaluated: 2023-08-04. Review status: criteria provided, single submitter. Criteria: Invitae Variant Classification Sherloc (09022015). Collection method: clinical testing. Allele origin: germline.
Comment: In summary, the available evidence is currently insufficient to determine the role of this variant in disease. Therefore, it has been classified as a Variant of Uncertain Significance. Advanced modeling of protein sequence and biophysical properties (such as structural, functional, and spatial information, amino acid conservation, physicochemical variation, residue mobility, and thermodynamic stability) performed at Invitae indicates that this missense variant is expected to disrupt SACS protein function. This variant is not present in population databases (gnomAD no frequency). This sequence change replaces tyrosine, which is neutral and polar, with cysteine, which is neutral and slightly polar, at codon 198 of the SACS protein (p.Tyr198Cys). This variant has not been reported in the literature in individuals affected with SACS-related conditions. ClinVar contains an entry for this variant (Variation ID: 448209).

Athena Diagnostics
Classification: Uncertain significance. Last evaluated: 2018-09-26. Review status: criteria provided, single submitter. Criteria: Athena Diagnostics Criteria. Collection method: clinical testing. Allele origin: germline.

Natera, Inc.
Classification: Uncertain significance for Charlevoix-Saguenay type spastic ataxia. Last evaluated: 2020-10-22. Review status: no assertion criteria provided. Collection method: clinical testing. Allele origin: germline. Not counted in ClinVar's aggregate classification.